The following is an entry in ClinVar:

NM_014159.7(SETD2):c.1549G>C (p.Glu517Gln)

Gene: SETD2 (SET domain containing 2, histone lysine methyltransferase; minus strand). Cytogenetic location: 3p21.31.
Variant type: single nucleotide variant.
Coding change: c.1549G>C on transcript NM_014159.7 (MANE Select); coding-DNA position 1549, G replaced by C.
Protein change: p.Glu517Gln; replaces glutamic acid 517 with glutamine.
Molecular consequence: missense variant. On other transcripts: non-coding transcript variant (1).
Genome position (GRCh38, 1-based): chr3:47,123,087, C>G on the plus strand (G>C on the coding strand, the complement: SETD2 is on the minus strand). VCF-style: chr3-47123087-C-G. GRCh37 (hg19) VCF-style: chr3-47164577-C-G.
Other names: c.1417G>C, p.Glu473Gln (NM_001349370.3); short protein forms E473Q, E517Q.
Identifiers: ClinVar variation 3047163 (VCV003047163.2), dbSNP rs2043171703, ClinGen allele CA352530009.
Genomic context (GRCh38, chr3:47,123,087, plus strand): 5'-GTTCATTAGGGGGAGAACAACATCTTTTAATTGCTTCATTTTCTGAAGTCCTTTTAGATT[C>G]TCTTTCTAGTTTTGAAGAATACTTGCCTCTTCTTTCCATCTCTAAGTAAGAGGTCTCAGT-3'
Protein context (NP_054878.5, residues 507-527): RGKYSSKLER[Glu517Gln]SKRTSENEAI

ClinVar aggregate classification (germline): Uncertain significance (0 of 4 stars; one submission).

Conditions:
SETD2-related disorder.

Allele frequency attached by ClinVar (database versions not stated): gnomAD exomes below 0.00001; TOPMed below 0.00001.
gnomAD v4.1: 1 of 1,613,578 alleles (0.000062%); highest among the groups gnomAD compares: Non-Finnish European, 0.000085%; no homozygotes.

Submission:

PreventionGenetics, part of Exact Sciences
Classification: Uncertain significance for SETD2-related condition. Last evaluated: 2023-11-03. Review status: no assertion criteria provided. Collection method: clinical testing. Allele origin: germline.
Comment: The SETD2 c.1549G>C variant is predicted to result in the amino acid substitution p.Glu517Gln. To our knowledge, this variant has not been reported in the literature or in a large population database, indicating this variant is rare. At this time, the clinical significance of this variant is uncertain due to the absence of conclusive functional and genetic evidence.